The following is an entry in ClinVar:

NM_000701.8(ATP1A1):c.1836+6G>T

Genes: ATP1A1 (ATPase Na+/K+ transporting subunit alpha 1; plus strand), ATP1A1-AS1 (ATP1A1 antisense RNA 1; minus strand). Cytogenetic location: 1p13.1.
Variant type: single nucleotide variant.
Coding change: c.1836+6G>T on transcript NM_000701.8 (MANE Select); 6 bases into the intron after coding-DNA position 1836, G replaced by T.
Molecular consequence: intron variant.
Genome position (GRCh38, 1-based): chr1:116,395,291, G>T. VCF-style: chr1-116395291-G-T. GRCh37 (hg19) VCF-style: chr1-116937913-G-T.
Other names: c.1836+6G>T (NM_001160233.2); c.1743+6G>T (NM_001160234.2).
Identifiers: ClinVar variation 2985579 (VCV002985579.3), dbSNP rs1652813248, ClinGen allele CA1191006442.
Genomic context (GRCh38, chr1:116,395,291, plus strand): 5'-TCCACGGGCGGCCGTTCCTGATGCCGTGGGCAAATGTCGAAGTGCTGGAATTAAGGTAGT[G>T]CCCAGGCGCCTCCTTGGCTTCATCTCTTAGTGCCTTGGGACACCCTACTCAGTGAATGTT-3'

ClinVar aggregate classification (germline): Uncertain significance (1 of 4 stars; one submission).

Allele frequency attached by ClinVar (database versions not stated): gnomAD exomes 0.00001; TOPMed below 0.00001.
gnomAD v4.1: 15 of 1,613,458 alleles (0.00093%); highest among the groups gnomAD compares: Non-Finnish European, 0.0013%; no homozygotes.

Submission:

Labcorp Genetics (formerly Invitae), Labcorp
Classification: Uncertain significance. Last evaluated: 2025-12-14. Review status: criteria provided, single submitter. Criteria: Invitae Variant Classification Sherloc (09022015). Collection method: clinical testing. Allele origin: germline.
Comment: This sequence change falls in intron 13 of the ATP1A1 gene. It does not directly change the encoded amino acid sequence of the ATP1A1 protein. It affects a nucleotide within the consensus splice site. This variant is not present in population databases (gnomAD no frequency). This variant has not been reported in the literature in individuals affected with ATP1A1-related conditions. ClinVar contains an entry for this variant (Variation ID: 2985579). Variants that disrupt the consensus splice site are a relatively common cause of aberrant splicing (PMID: 17576681, 9536098). Algorithms developed to predict the effect of sequence changes on RNA splicing suggest that this variant is not likely to affect RNA splicing. In summary, the available evidence is currently insufficient to determine the role of this variant in disease. Therefore, it has been classified as a Variant of Uncertain Significance.

Literature cited by the submitters: PubMed 17576681; PubMed 9536098.